The following is an entry in ClinVar:

ClinVar aggregate classification (germline): Uncertain significance (1 of 4 stars; one submission).

Conditions:
Epileptic encephalopathy. Identifiers: MedGen C0543888, HP:0200134.

Submission:

Labcorp Genetics (formerly Invitae), Labcorp
Classification: Uncertain significance for Epileptic encephalopathy. Last evaluated: 2025-03-23. Review status: criteria provided, single submitter. Criteria: Invitae Variant Classification Sherloc (09022015). Collection method: clinical testing. Allele origin: germline.
Comment: This sequence change replaces leucine, which is neutral and non-polar, with valine, which is neutral and non-polar, at codon 442 of the FASN protein (p.Leu442Val). This variant is not present in population databases (gnomAD no frequency). This variant has not been reported in the literature in individuals affected with FASN-related conditions. An algorithm developed to predict the effect of missense changes on protein structure and function (PolyPhen-2) suggests that this variant is likely to be tolerated. In summary, the available evidence is currently insufficient to determine the role of this variant in disease. Therefore, it has been classified as a Variant of Uncertain Significance.

NM_004104.5(FASN):c.1324C>G (p.Leu442Val)

Gene: FASN (fatty acid synthase; minus strand). Cytogenetic location: 17q25.3.
Variant type: single nucleotide variant.
Coding change: c.1324C>G on transcript NM_004104.5 (MANE Select); coding-DNA position 1324, C replaced by G.
Protein change: p.Leu442Val; replaces leucine 442 with valine.
Molecular consequence: missense variant.
Genome position (GRCh38, 1-based): chr17:82,091,390, G>C on the plus strand (C>G on the coding strand, the complement: FASN is on the minus strand). VCF-style: chr17-82091390-G-C. GRCh37 (hg19) VCF-style: chr17-80049266-G-C.
Other names: short protein forms L442V.
Identifiers: ClinVar variation 4755156 (VCV004755156.1).
Genomic context (GRCh38, chr17:82,091,390, plus strand): 5'-CGGGGACAGCCGCGATGTCGTTCAGCATGCTCAGGAAAGCCAGGTCCTGGCTGTGCCGGA[G>C]GCCCTGCTCCAGCAGCTTCTGCACGGCCTCAGGGGTGCGTCCGCTGGCCCGCAGCAGACG-3'
Protein context (NP_004095.4, residues 432-452): EAVQKLLEQG[Leu442Val]RHSQDLAFLS